The following is an entry in ClinVar:

ClinVar aggregate classification (germline): Likely pathogenic (1 of 4 stars; one submission).

Conditions:
Hereditary breast ovarian cancer syndrome. Also called: Breast and ovarian cancer; BRCA1- and BRCA2-Associated Hereditary Breast and Ovarian Cancer; Hereditary breast and ovarian cancer; Hereditary breast and ovarian cancer syndrome (HBOC); Hereditary breast and/or ovarian cancer syndrome; Hereditary breast and ovarian cancer syndrome. Identifiers: Orphanet 145, MedGen C0677776, MeSH D061325, MONDO:0003582. Disease mechanism: loss of function.

Submission:

Labcorp Genetics (formerly Invitae), Labcorp
Classification: Likely pathogenic for Hereditary breast ovarian cancer syndrome. Last evaluated: 2022-05-27. Review status: criteria provided, single submitter. Criteria: Invitae Variant Classification Sherloc (09022015). Collection method: clinical testing. Allele origin: germline.
Comment: This variant results in a copy number gain of the genomic region encompassing exon(s) 20-21 of the BRCA1 gene. While the exact position of this variant cannot be determined from the data, sub-genic copy number gains are generally in tandem (PMID: 25640679). This variant is predicted to be in-frame, and likely preserves the integrity of the reading frame. A similar copy number variant has been observed in individual(s) with clinical features of BRCA1-related conditions (PMID: 24522996). This variant is also known as duplication of exons 21-22 in the literature. Algorithms developed to predict the effect of variants on protein structure and function are not available or were not evaluated for this variant. The C-terminal region of the BRCA1 protein contains two BRCT repeats (BRCT-N and BRCT-C), which are essential for BRCA1 protein function (PMID: 10811118, 8751436). Structural and functional analyses have shown that the tandem BRCT domains form a well-organized structure crucial for BRCA1 transcriptional activity (PMID: 20516115, 11573086, 15172985). This variant is expected to disrupt the BRCT-C repeat, which would likely destabilize the structure of the C-terminal region of the BRCA1 protein and disrupt BRCA1 transcriptional activity Experimental studies using targeted deletions of highly conserved amino acids (Y1853-I1855) located in the most C-terminal hydrophobic cluster of the BRCT-C repeat have shown that structural integrity of this hydrophobic cluster is essential for BRCA1 transcriptional activity (PMID: 10811118, 18992264). This observation suggests that structural disruption of the C-terminal region of the BRCT-C may affect BRCA1 protein function. In summary, the currently available evidence indicates that the variant is pathogenic, but additional data are needed to prove that conclusively. Therefore, this variant has been classified as Likely Pathogenic.

Literature cited by the submitters: PubMed 25640679; PubMed 24522996; PubMed 10811118; PubMed 8751436; PubMed 20516115; PubMed 11573086; PubMed 15172985; PubMed 18992264.

NC_000017.10:g.(?_41201118)_(41203154_?)dup

Gene: BRCA1 (BRCA1 DNA repair associated; minus strand). Cytogenetic location: 17q21.31.
Variant type: Duplication.
Identifiers: ClinVar variation 648522 (VCV000648522.2).